The following is an entry in ClinVar:

NM_001042492.3(NF1):c.289-1886A>G

Gene: NF1 (neurofibromin 1; plus strand). Cytogenetic location: 17q11.2.
Variant type: single nucleotide variant.
Coding change: c.289-1886A>G on transcript NM_001042492.3 (MANE Select); 1886 bases into the intron before coding-DNA position 289, A replaced by G.
Molecular consequence: intron variant.
Genome position (GRCh38, 1-based): chr17:31,161,300, A>G. VCF-style: chr17-31161300-A-G. GRCh37 (hg19) VCF-style: chr17-29488318-A-G.
Other names: c.289-1886A>G (NM_000267.4, NM_001128147.3).
Identifiers: ClinVar variation 561925 (VCV000561925.1), dbSNP rs138085037, ClinGen allele CA289323077.
Genomic context (GRCh38, chr17:31,161,300, plus strand): 5'-TTTTTATTTGTTAGAGTTAACATCTGTATTGTTTGGTTAGCCTATAAACAAGAAATAGGC[A>G]TTGTAATGTGAATTCACAGGTTTTTGTGAAGTCTGTTTATGTACTGTCCCTATGTTTCAG-3'

ClinVar aggregate classification (germline): Likely benign (1 of 4 stars; one submission).

Allele frequency attached by ClinVar (database versions not stated): 1000 Genomes Project 0.00100; 1000 Genomes Project 30x 0.00125; TOPMed 0.00267; gnomAD 0.00356 and 0.00371.
gnomAD v4.1: 538 of 152,330 alleles (0.35%); highest among the groups gnomAD compares: Non-Finnish European, 0.53%; 1 homozygote.

Submission:

GeneDx
Classification: Likely benign. Last evaluated: 2018-06-14. Review status: criteria provided, single submitter. Criteria: GeneDx Variant Classification (06012015). Collection method: clinical testing. Allele origin: germline. Affected: yes.
Comment: This variant is considered likely benign or benign based on one or more of the following criteria: it is a conservative change, it occurs at a poorly conserved position in the protein, it is predicted to be benign by multiple in silico algorithms, and/or has population frequency not consistent with disease.